The following is an entry in ClinVar:

NM_020297.4(ABCC9):c.3741G>C (p.Leu1247Phe)

Genes: ABCC9 (ATP binding cassette subfamily C member 9; minus strand), KCNJ8-AS1 (KCNJ8 antisense RNA 1; plus strand). Cytogenetic location: 12p12.1.
Variant type: single nucleotide variant.
Coding change: c.3741G>C on transcript NM_020297.4 (MANE Select); coding-DNA position 3741, G replaced by C.
Protein change: p.Leu1247Phe; replaces leucine 1247 with phenylalanine.
Molecular consequence: missense variant.
Genome position (GRCh38, 1-based): chr12:21,818,180, C>G on the plus strand (G>C on the coding strand, the complement: ABCC9 is on the minus strand). VCF-style: chr12-21818180-C-G. GRCh37 (hg19) VCF-style: chr12-21971114-C-G.
Other names: c.3741G>C, p.Leu1247Phe (NM_001377273.1, NM_005691.4); c.2874G>C, p.Leu958Phe (NM_001377274.1); short protein forms L1247F, L958F.
Identifiers: ClinVar variation 2744840 (VCV002744840.3), dbSNP rs1404100404, ClinGen allele CA384137488.
Genomic context (GRCh38, chr12:21,818,180, plus strand): 5'-TGTTCCTGTAATATTTTTATCCATACCTACCGTAAGTGCATACAGAAGACCCAAGCCTAC[C>G]AATCCAGAATTCGAAGACCCACTAATGGATGCTATAGATGCAGTGAGGACAATGCAAGCT-3'
Protein context (NP_064693.2, residues 1237-1257): ASISGSSNSG[Leu1247Phe]VGLGLLYALT

ClinVar aggregate classification (germline): Uncertain significance (1 of 4 stars; one submission).

Conditions:
Dilated cardiomyopathy 1O (CMD1O). Also called: CARDIOMYOPATHY, DILATED, WITH VENTRICULAR TACHYCARDIA. Identifiers: Orphanet 154, MedGen C1837839, MONDO:0012062, OMIM 608569.

Submission:

Labcorp Genetics (formerly Invitae), Labcorp
Classification: Uncertain significance for Dilated cardiomyopathy 1O. Last evaluated: 2023-07-18. Review status: criteria provided, single submitter. Criteria: Invitae Variant Classification Sherloc (09022015). Collection method: clinical testing. Allele origin: germline.
Comment: In summary, the available evidence is currently insufficient to determine the role of this variant in disease. Therefore, it has been classified as a Variant of Uncertain Significance. Algorithms developed to predict the effect of missense changes on protein structure and function output the following: SIFT: "Not Available"; PolyPhen-2: "Benign"; Align-GVGD: "Not Available". The phenylalanine amino acid residue is found in multiple mammalian species, which suggests that this missense change does not adversely affect protein function. This variant has not been reported in the literature in individuals affected with ABCC9-related conditions. This variant is not present in population databases (gnomAD no frequency). This sequence change replaces leucine, which is neutral and non-polar, with phenylalanine, which is neutral and non-polar, at codon 1247 of the ABCC9 protein (p.Leu1247Phe).